The following is an entry in ClinVar:

NM_007325.5(GRIA3):c.764T>C (p.Ile255Thr)

Gene: GRIA3 (glutamate ionotropic receptor AMPA type subunit 3; plus strand). Cytogenetic location: Xq25.
Variant type: single nucleotide variant.
Coding change: c.764T>C on transcript NM_007325.5 (MANE Select); coding-DNA position 764, T replaced by C.
Protein change: p.Ile255Thr; replaces isoleucine 255 with threonine.
Molecular consequence: missense variant.
Genome position (GRCh38, 1-based): chrX:123,394,981, T>C. VCF-style: chrX-123394981-T-C. GRCh37 (hg19) VCF-style: chrX-122528832-T-C.
Other names: c.764T>C, p.Ile255Thr (NM_000828.5); short protein forms I255T.
Identifiers: ClinVar variation 3668419 (VCV003668419.2).

ClinVar aggregate classification (germline): Uncertain significance (1 of 4 stars; one submission).

Submission:

Labcorp Genetics (formerly Invitae), Labcorp
Classification: Uncertain significance. Last evaluated: 2024-03-04. Review status: criteria provided, single submitter. Criteria: Invitae Variant Classification Sherloc (09022015). Collection method: clinical testing. Allele origin: germline.
Comment: This sequence change replaces isoleucine, which is neutral and non-polar, with threonine, which is neutral and polar, at codon 255 of the GRIA3 protein (p.Ile255Thr). This variant is not present in population databases (gnomAD no frequency). This variant has not been reported in the literature in individuals affected with GRIA3-related conditions. Advanced modeling of protein sequence and biophysical properties (such as structural, functional, and spatial information, amino acid conservation, physicochemical variation, residue mobility, and thermodynamic stability) performed at Invitae indicates that this missense variant is not expected to disrupt GRIA3 protein function with a negative predictive value of 80%. In summary, the available evidence is currently insufficient to determine the role of this variant in disease. Therefore, it has been classified as a Variant of Uncertain Significance.